The following is an entry in ClinVar:

ClinVar aggregate classification (germline): Likely benign (1 of 4 stars; one submission).

Conditions:
TMEM67-related disorder. Also called: TMEM67-related disorders; TMEM67-related condition. Identifiers: MedGen CN239423.

Submission:

PreventionGenetics, part of Exact Sciences
Classification: Likely benign for TMEM67-related condition. Last evaluated: 2024-11-25. Review status: criteria provided, single submitter. Criteria: ACMG Guidelines, 2015. Collection method: clinical testing. Allele origin: germline.
Comment: This variant is classified as likely benign based on ACMG/AMP sequence variant interpretation guidelines (Richards et al. 2015 PMID: 25741868, with internal and published modifications).

NM_153704.6(TMEM67):c.2101-7A>C

Gene: TMEM67 (transmembrane protein 67; plus strand). Cytogenetic location: 8q22.1.
Variant type: single nucleotide variant.
Coding change: c.2101-7A>C on transcript NM_153704.6 (MANE Select); 7 bases into the intron before coding-DNA position 2101, A replaced by C.
Molecular consequence: intron variant.
Genome position (GRCh38, 1-based): chr8:93,799,611, A>C. VCF-style: chr8-93799611-A-C. GRCh37 (hg19) VCF-style: chr8-94811839-A-C.
Other names: c.1858-7A>C (NM_001142301.1).
Identifiers: ClinVar variation 5002384 (VCV005002384.1).